The following is an entry in ClinVar:

ClinVar aggregate classification (germline): Uncertain significance (1 of 4 stars; one submission).

Submission:

Labcorp Genetics (formerly Invitae), Labcorp
Classification: Uncertain significance. Last evaluated: 2024-08-19. Review status: criteria provided, single submitter. Criteria: Invitae Variant Classification Sherloc (09022015). Collection method: clinical testing. Allele origin: germline.
Comment: This sequence change creates a premature translational stop signal (p.Glu41Asnfs*2) in the TNNI3K gene. It is expected to result in an absent or disrupted protein product. However, the current clinical and genetic evidence is not sufficient to establish whether loss-of-function variants in TNNI3K cause disease. The frequency data for this variant in the population databases is considered unreliable, as metrics indicate poor data quality at this position in the gnomAD database. This variant has not been reported in the literature in individuals affected with TNNI3K-related conditions. In summary, the available evidence is currently insufficient to determine the role of this variant in disease. Therefore, it has been classified as a Variant of Uncertain Significance.

NM_015978.3(TNNI3K):c.120del (p.Glu41fs)

Genes: FPGT-TNNI3K (FPGT-TNNI3K readthrough; plus strand), TNNI3K (TNNI3 interacting kinase; plus strand). Cytogenetic location: 1p31.1.
Variant type: Deletion.
Coding change: c.120del on transcript NM_015978.3 (MANE Select); coding-DNA position 120, one base deleted (A; older notation c.120delA).
Protein change: p.Glu41fs; shifts the reading frame from glutamic acid 41.
Molecular consequence: frameshift variant.
Genome position (GRCh38, 1-based): chr1:74,236,181, A deleted; the last of 5 consecutive A bases (chr1:74,236,177-74,236,181); deleting any one gives the same sequence. VCF-style (leftmost placement, unchanged base first): chr1-74236176-GA-G. GRCh37 (hg19) VCF-style: chr1-74701860-GA-G.
Other names: c.423del, p.Glu142fs (NM_001112808.3, NM_001199327.2); short protein forms E142fs, E41fs.
Identifiers: ClinVar variation 3675608 (VCV003675608.2).
Genomic context (GRCh38, chr1:74,236,176, plus strand): 5'-AAAGTCAGTGAATCATATGTTATCACAATAGAAAGATTAGAAGATGACCTGCAGATCAAG[GA>G]AAAAGAACTGACAGAACTAAGGAATATATTTGGGTAAAGTTGTAAGAGTCATTATTTCTT-3'